The following is an entry in ClinVar:

NM_013335.4(GMPPA):c.790C>T (p.Arg264Ter)

Genes: ASIC4-AS1 (ASIC4 antisense RNA 1; minus strand), GMPPA (GDP-mannose pyrophosphorylase A; plus strand). Cytogenetic location: 2q35.
Variant type: single nucleotide variant.
Coding change: c.790C>T on transcript NM_013335.4 (MANE Select); coding-DNA position 790, C replaced by T.
Protein change: p.Arg264Ter; replaces arginine 264 with a stop codon.
Molecular consequence: nonsense.
Genome position (GRCh38, 1-based): chr2:219,505,492, C>T. VCF-style: chr2-219505492-C-T. GRCh37 (hg19) VCF-style: chr2-220370214-C-T.
Other names: c.790C>T, p.Arg264Ter (NM_001374294.1, NM_001374295.1, NM_205847.3); short protein forms R264*.
Identifiers: ClinVar variation 2629420 (VCV002629420.8), dbSNP rs372628288, ClinGen allele CA2128293.

ClinVar aggregate classification (germline): Pathogenic/Likely pathogenic. Review status: criteria provided, multiple submitters, no conflicts (2 of 4 stars). 5 submissions from 5 submitters: Pathogenic (2); Likely pathogenic (3). Last evaluated 2025-04-08.

Conditions:
GMPPA-related disorder. Also called: GMPPA-related condition.
Alacrima, achalasia, and impaired intellectual development syndrome. Also called: Alacrima, achalasia, and mental retardation syndrome; Alacrima, achalasia, and intellectual disability syndrome. Identifiers: Orphanet 869, MedGen C4706563, MONDO:0014219, OMIM 615510.

Allele frequency attached by ClinVar (database versions not stated): TOPMed 0.00002; gnomAD 0.00003; ExAC 0.00007; ESP Exome Variant Server 0.00008.
gnomAD v4.1: 54 of 1,580,116 alleles (0.0034%); highest among the groups gnomAD compares: Non-Finnish European, 0.004%; no homozygotes.

Submissions (5):

Variantyx, Inc.
Classification: Likely pathogenic for Alacrima, achalasia, and impaired intellectual development syndrome. Last evaluated: 2025-04-08. Review status: criteria provided, single submitter. Criteria: Variantyx Assertion Criteria 2022. Collection method: clinical testing. Allele origin: germline. Inheritance: Autosomal recessive inheritance. Affected: no.
Comment: This is a nonsense variant in the GMPPA gene (OMIM: 615495). Pathogenic variants in this gene have been associated with autosomal recessive alacrima, achalasia, and impaired intellectual development syndrome. This variant introduces a premature termination codon in exon 9 out of 13 and is expected to result in loss of function, which is a known disease mechanism for GMPPA in this disorder (PMID: 24035193) (PVS1). This variant has a 0.0040% maximum allele frequency in non-founder control populations (PM2). Based on the current evidence, this variant is classified as likely pathogenic for autosomal recessive alacrima, achalasia, and impaired intellectual development syndrome.N

Labcorp Genetics (formerly Invitae), Labcorp
Classification: Pathogenic for Alacrima, achalasia, and impaired intellectual development syndrome. Last evaluated: 2024-09-16. Review status: criteria provided, single submitter. Criteria: Invitae Variant Classification Sherloc (09022015). Collection method: clinical testing. Allele origin: germline.
Comment: This sequence change creates a premature translational stop signal (p.Arg264*) in the GMPPA gene. It is expected to result in an absent or disrupted protein product. Loss-of-function variants in GMPPA are known to be pathogenic (PMID: 24035193). This variant is present in population databases (rs372628288, gnomAD 0.007%). This variant has not been reported in the literature in individuals affected with GMPPA-related conditions. ClinVar contains an entry for this variant (Variation ID: 2629420). Algorithms developed to predict the effect of sequence changes on RNA splicing suggest that this variant may disrupt the consensus splice site. For these reasons, this variant has been classified as Pathogenic.

GeneDx
Classification: Pathogenic. Last evaluated: 2024-04-30. Review status: criteria provided, single submitter. Criteria: GeneDx Variant Classification Process June 2021. Collection method: clinical testing. Allele origin: germline. Affected: yes.
Comment: Nonsense variant predicted to result in protein truncation or nonsense mediated decay in a gene for which loss of function is a known mechanism of disease; Not observed at significant frequency in large population cohorts (gnomAD); This variant is associated with the following publications: (PMID: 35607266)

PreventionGenetics, part of Exact Sciences
Classification: Likely pathogenic for GMPPA-related condition. Last evaluated: 2023-02-16. Review status: criteria provided, single submitter. Criteria: ACMG Guidelines, 2015. Collection method: clinical testing. Allele origin: germline.
Comment: The GMPPA c.790C>T variant is predicted to result in premature protein termination (p.Arg264*). To our knowledge, this variant has not been reported in the literature. This variant is reported in 0.0062% of alleles in individuals of East Asian descent in gnomAD. Nonsense variants in GMPPA are expected to be pathogenic, and therefore we interpret c.790C>T (p.Arg264*) as likely pathogenic.

Juno Genomics, Hangzhou Juno Genomics, Inc
Classification: Likely pathogenic for Alacrima, achalasia, and impaired intellectual development syndrome. Review status: criteria provided, single submitter. Criteria: ACMG Guidelines, 2015. Collection method: clinical testing. Allele origin: germline.
Comment: Null variant in a gene where loss of function (LOF) is a known mechanism of disease.;Absent from controls (or at extremely low frequency if recessive) in Genome Aggregation Database.

Literature cited by the submitters: PubMed 24035193 (cited by Variantyx, Inc. and Labcorp Genetics (formerly Invitae), Labcorp).